The following is an entry in ClinVar:

NM_001101.5(ACTB):c.124-7T>A

Gene: ACTB (actin beta; minus strand). Cytogenetic location: 7p22.1.
Variant type: single nucleotide variant.
Coding change: c.124-7T>A on transcript NM_001101.5 (MANE Select); 7 bases into the intron before coding-DNA position 124, T replaced by A.
Molecular consequence: intron variant.
Genome position (GRCh38, 1-based): chr7:5,529,407, A>T on the plus strand (T>A on the coding strand, the complement: ACTB is on the minus strand). VCF-style: chr7-5529407-A-T. GRCh37 (hg19) VCF-style: chr7-5569038-A-T.
Other names: p.?.
Identifiers: ClinVar variation 698769 (VCV000698769.13), dbSNP rs199651295, ClinGen allele CA4147141.

ClinVar aggregate classification (germline): Benign. Review status: criteria provided, multiple submitters, no conflicts (2 of 4 stars). 5 submissions from 4 submitters: Benign (5). Last evaluated 2026-01-15.

Conditions:
Developmental malformations-deafness-dystonia syndrome (DDS1). Identifiers: Orphanet 79107, MedGen C5848323, MONDO:0011823, OMIM 607371.
Baraitser-Winter syndrome 1 (BRWS1). Also called: BARAITSER-WINTER SYNDROME 1, ATYPICAL; PACHYGYRIA, MENTAL RETARDATION, EPILEPSY, AND CHARACTERISTIC FACIES; MENTAL RETARDATION WITH EPILEPSY AND CHARACTERISTIC FACIES; Cerebrofrontofacial syndrome. Identifiers: Orphanet 2649, Orphanet 2995, MedGen C1855722, MONDO:0009470, OMIM 243310.

Allele frequency attached by ClinVar (database versions not stated): gnomAD 0.00024 and 0.00029; TOPMed 0.00033; 1000 Genomes Project 30x 0.00094; 1000 Genomes Project 0.00100.
gnomAD v4.1: 274 of 1,613,870 alleles (0.017%); highest among the groups gnomAD compares: East Asian, 0.58%; 7 homozygotes.

Submissions (5):

Labcorp Genetics (formerly Invitae), Labcorp
Classification: Benign for Baraitser-Winter syndrome 1. Last evaluated: 2026-01-15. Review status: criteria provided, single submitter. Criteria: Invitae Variant Classification Sherloc (09022015). Collection method: clinical testing. Allele origin: germline.

Mayo Clinic Laboratories, Mayo Clinic
Classification: Benign. Last evaluated: 2025-10-16. Review status: criteria provided, single submitter. Criteria: ACMG Guidelines, 2015. Collection method: clinical testing. Allele origin: germline. Observed: 2 variant alleles.
Comment: BA1, BP4, BP7

Genome-Nilou Lab
Classification: Benign for Baraitser-Winter syndrome 1. Last evaluated: 2021-12-05. Review status: criteria provided, single submitter. Criteria: ACMG Guidelines, 2015. Collection method: clinical testing. Allele origin: germline. Affected: no.

Genome-Nilou Lab
Classification: Benign for Developmental malformations-deafness-dystonia syndrome. Last evaluated: 2021-12-05. Review status: criteria provided, single submitter. Criteria: ACMG Guidelines, 2015. Collection method: clinical testing. Allele origin: germline. Affected: no.

GeneDx
Classification: Benign. Last evaluated: 2019-08-21. Review status: criteria provided, single submitter. Criteria: GeneDx Variant Classification Process June 2021. Collection method: clinical testing. Allele origin: germline. Affected: yes.